The following is an entry in ClinVar:

NM_173543.3(DZIP1L):c.2194C>T (p.Leu732=)

Gene: DZIP1L (DAZ interacting zinc finger protein 1 like; minus strand). Cytogenetic location: 3q22.3.
Variant type: single nucleotide variant.
Coding change: c.2194C>T on transcript NM_173543.3 (MANE Select); coding-DNA position 2194, C replaced by T.
Protein change: p.Leu732=; no amino-acid change (leucine 732 retained).
Molecular consequence: synonymous variant.
Genome position (GRCh38, 1-based): chr3:138,062,926, G>A on the plus strand (C>T on the coding strand, the complement: DZIP1L is on the minus strand). VCF-style: chr3-138062926-G-A. GRCh37 (hg19) VCF-style: chr3-137781768-G-A.
Other names: c.2194C>T (NM_173543.2).
Identifiers: ClinVar variation 1462795 (VCV001462795.13), dbSNP rs149714506, ClinGen allele CA2634614.
Genomic context (GRCh38, chr3:138,062,926, plus strand): 5'-ACTTCTCTGGGAGCTTTGAGCGAGACAAGGGCTTGGGTTTCTCTCTCTGGTCCAGGTCCA[G>A]AGGAAGATCTTCCAAGGAGGAGATCTCCAAGTCACTCTCATCTTCAGAAAGCTGCAGGGG-3'
Protein context (NP_775814.2, residues 722-742): LEISSLEDLP[Leu732=]DLDQREKPKP

ClinVar aggregate classification (germline): Likely benign. Review status: criteria provided, multiple submitters, no conflicts (2 of 4 stars). 4 submissions from 4 submitters: Likely benign (3). 1 of the submissions does not count toward it. Last evaluated 2026-06-01.

Conditions:
DZIP1L-related disorder. Also called: DZIP1L-related condition.

Allele frequency attached by ClinVar (database versions not stated): 1000 Genomes Project 0.00040; 1000 Genomes Project 30x 0.00047; gnomAD exomes 0.00059 and 0.00095; gnomAD 0.00061; ESP Exome Variant Server 0.00062; ExAC 0.00066; TOPMed 0.00073.
gnomAD v4.1: 1,479 of 1,614,188 alleles (0.092%); highest among the groups gnomAD compares: Non-Finnish European, 0.11%; 1 homozygote.

Submissions (4):

CeGaT Center for Human Genetics Tuebingen
Classification: Likely benign. Last evaluated: 2026-06-01. Review status: criteria provided, single submitter. Criteria: CeGaT Center For Human Genetics Tuebingen Variant Classification Criteria Version 2. Collection method: clinical testing. Allele origin: germline. Affected: yes. Observed: 1 variant allele.
Comment: DZIP1L: BP4, BP7

Labcorp Genetics (formerly Invitae), Labcorp
Classification: Likely benign. Last evaluated: 2025-10-08. Review status: criteria provided, single submitter. Criteria: Invitae Variant Classification Sherloc (09022015). Collection method: clinical testing. Allele origin: germline.

Blueprint Genetics
Classification: Likely benign. Last evaluated: 2024-11-22. Review status: criteria provided, single submitter. Criteria: ACMG Guidelines, 2015. Collection method: clinical testing. Allele origin: germline.

PreventionGenetics, part of Exact Sciences
Classification: Likely benign for DZIP1L-related condition. Last evaluated: 2021-05-26. Review status: no assertion criteria provided. Collection method: clinical testing. Allele origin: germline. Not counted in ClinVar's aggregate classification.
Comment: This variant is classified as likely benign based on ACMG/AMP sequence variant interpretation guidelines (Richards et al. 2015 PMID: 25741868, with internal and published modifications).